The following is an entry in ClinVar:

NM_006371.5(CRTAP):c.1141del (p.Asp381fs)

Gene: CRTAP (cartilage associated protein; plus strand). Cytogenetic location: 3p22.3.
Variant type: Deletion.
Coding change: c.1141del on transcript NM_006371.5 (MANE Select); coding-DNA position 1141, one base deleted (G; older notation c.1141delG).
Protein change: p.Asp381fs; shifts the reading frame from aspartic acid 381.
Molecular consequence: frameshift variant. On other transcripts: intron variant (1).
Genome position (GRCh38, 1-based): chr3:33,134,254, G deleted; the last of 2 consecutive G bases (chr3:33,134,253-33,134,254); deleting either gives the same sequence. VCF-style (leftmost placement, unchanged base first): chr3-33134252-TG-T. GRCh37 (hg19) VCF-style: chr3-33175744-TG-T.
Other names: c.1012del, p.Asp338fs (NM_001393364.1); c.991del, p.Asp331fs (NM_001393365.1); c.1068+1554del (NM_001393363.1); short protein forms D338fs, D331fs, D381fs.
Identifiers: ClinVar variation 2012890 (VCV002012890.4), dbSNP rs2471587881, ClinGen allele CA2580069259.

ClinVar aggregate classification (germline): Uncertain significance (1 of 4 stars; one submission).

Conditions:
Osteogenesis imperfecta type 7 (OI7). Also called: OI type 7; OI type VII; OSTEOGENESIS IMPERFECTA, TYPE IIB; Osteogenesis imperfecta type 2B; OI type 2B; Osteogenesis imperfecta, perinatal lethal autosomal recessive. Identifiers: MedGen C1853162, MONDO:0012536, OMIM 610682.

Submission:

Labcorp Genetics (formerly Invitae), Labcorp
Classification: Uncertain significance for Osteogenesis imperfecta type 7. Last evaluated: 2022-07-01. Review status: criteria provided, single submitter. Criteria: Invitae Variant Classification Sherloc (09022015). Collection method: clinical testing. Allele origin: germline.
Comment: This variant has not been reported in the literature in individuals affected with CRTAP-related conditions. This sequence change results in a frameshift in the CRTAP gene (p.Asp381Metfs*49). While this is not anticipated to result in nonsense mediated decay, it is expected to disrupt the last 21 amino acid(s) of the CRTAP protein and extend the protein by 27 additional amino acid residues. This variant is not present in population databases (gnomAD no frequency). Experimental studies and prediction algorithms are not available or were not evaluated, and the functional significance of this variant is currently unknown. In summary, the available evidence is currently insufficient to determine the role of this variant in disease. Therefore, it has been classified as a Variant of Uncertain Significance.